The following is an entry in ClinVar:

ClinVar aggregate classification (germline): Uncertain significance (1 of 4 stars; one submission).

Allele frequency attached by ClinVar (database versions not stated): gnomAD exomes below 0.00001; TOPMed 0.00002.
gnomAD v4.1: 2 of 1,613,680 alleles (0.00012%); highest among the groups gnomAD compares: Admixed American, 0.0017%; no homozygotes.

Submission:

Labcorp Genetics (formerly Invitae), Labcorp
Classification: Uncertain significance. Last evaluated: 2022-03-12. Review status: criteria provided, single submitter. Criteria: Invitae Variant Classification Sherloc (09022015). Collection method: clinical testing. Allele origin: germline.
Comment: In summary, the available evidence is currently insufficient to determine the role of this variant in disease. Therefore, it has been classified as a Variant of Uncertain Significance. Algorithms developed to predict the effect of missense changes on protein structure and function output the following: SIFT: "Tolerated"; PolyPhen-2: "Benign"; Align-GVGD: "Class C0". The tyrosine amino acid residue is found in multiple mammalian species, which suggests that this missense change does not adversely affect protein function. This variant has not been reported in the literature in individuals affected with HSPG2-related conditions. This variant is present in population databases (no rsID available, gnomAD 0.003%). This sequence change replaces histidine, which is basic and polar, with tyrosine, which is neutral and polar, at codon 2761 of the HSPG2 protein (p.His2761Tyr).

NM_005529.7(HSPG2):c.8281C>T (p.His2761Tyr)

Gene: HSPG2 (heparan sulfate proteoglycan 2; minus strand). Cytogenetic location: 1p36.12.
Variant type: single nucleotide variant.
Coding change: c.8281C>T on transcript NM_005529.7 (MANE Select); coding-DNA position 8281, C replaced by T.
Protein change: p.His2761Tyr; replaces histidine 2761 with tyrosine.
Molecular consequence: missense variant.
Genome position (GRCh38, 1-based): chr1:21,846,483, G>A on the plus strand (C>T on the coding strand, the complement: HSPG2 is on the minus strand). VCF-style: chr1-21846483-G-A. GRCh37 (hg19) VCF-style: chr1-22172976-G-A.
Other names: c.8284C>T, p.His2762Tyr (NM_001291860.2); short protein forms H2762Y, H2761Y.
Identifiers: ClinVar variation 2187276 (VCV002187276.4), dbSNP rs1296718852, ClinGen allele CA338919106.